The following is an entry in ClinVar:

ClinVar aggregate classification (germline): Uncertain significance (1 of 4 stars; one submission).

Conditions:
Dilated cardiomyopathy 1S (CMD1S). Identifiers: Orphanet 154, Orphanet 54260, MedGen C1834481, MONDO:0013262, OMIM 613426.

Submission:

Petrovsky National Research Centre of Surgery, The Federal Agency for Scientific Organizations
Classification: Uncertain significance for Dilated cardiomyopathy 1S. Last evaluated: 2019-01-01. Review status: criteria provided, single submitter. Criteria: ACMG Guidelines, 2015. Collection method: research. Allele origin: unknown. Inheritance: Autosomal dominant inheritance. Affected: yes. Observed: 1 heterozygote.
Comment: To our knowledge, p.Q419K variant had not been reported previously and no in vitro functional studies available. Despite the fact that multiple bioinformatic tools predict this variant to be pathogenic, due to lack of family screening and/or functional studies p.Q419K variant can only be classified as variant of unknown clinical significance.

NM_000257.4(MYH7):c.1255C>A (p.Gln419Lys)

Gene: MYH7 (myosin heavy chain 7; minus strand). Cytogenetic location: 14q11.2.
Variant type: single nucleotide variant.
Coding change: c.1255C>A on transcript NM_000257.4 (MANE Select); coding-DNA position 1255, C replaced by A.
Protein change: p.Gln419Lys; replaces glutamine 419 with lysine.
Molecular consequence: missense variant.
Genome position (GRCh38, 1-based): chr14:23,429,231, G>T on the plus strand (C>A on the coding strand, the complement: MYH7 is on the minus strand). VCF-style: chr14-23429231-G-T. GRCh37 (hg19) VCF-style: chr14-23898440-G-T.
Other names: short protein forms Q419K.
Identifiers: ClinVar variation 617738 (VCV000617738.2), dbSNP rs1566535300, ClinGen allele CA389051019.
Genomic context (GRCh38, chr14:23,429,231, plus strand): 5'-TCCCACCATGCCAGTCTCCCTACCCTGCCCACCCATTATCATCTGAAGATGGACCCACCT[G>T]CTGGACATTCTGCCCCTTGGTGACGTACTCATTGCCCACTTTCACCCGAGGGTGGCACAG-3'
Protein context (NP_000248.2, residues 409-429): EYVTKGQNVQ[Gln419Lys]VIYATGALAK